The following is an entry in ClinVar:

ClinVar aggregate classification (germline): Uncertain significance. Review status: criteria provided, multiple submitters, no conflicts (2 of 4 stars). 2 submissions from 2 submitters: Uncertain significance (2). Last evaluated 2026-07-01.

Conditions:
Fanconi anemia complementation group A (FANCA). Also called: Fanconi anemia, group A; FANCA-Related Fanconi Anemia. Identifiers: Orphanet 84, MedGen C3469521, MONDO:0009215, OMIM 227650.

gnomAD v4.1: 3 of 1,614,234 alleles (0.00019%); highest among the groups gnomAD compares: Non-Finnish European, 0.00025%; no homozygotes.

Submissions (2):

Myriad Genetics, Inc.
Classification: Uncertain significance for Fanconi anemia complementation group A. Last evaluated: 2026-07-01. Review status: criteria provided, single submitter. Criteria: Myriad Autosomal Dominant, Autosomal Recessive and X-Linked Classification Criteria (2023). Collection method: clinical testing. Allele origin: unknown.
Comment: NM_000135.2(FANCA):c.4226G>C(R1409P) is a missense variant classified as a variant of uncertain significance in the context of Fanconi anemia complementation group A. R1409P has been observed in cases with relevant disease (PMID: 30809872). Relevant functional assessments of this variant are not available in the literature. R1409P has not been observed in referenced population frequency databases. In summary, there is insufficient evidence to classify NM_000135.2(FANCA):c.4226G>C(R1409P) as pathogenic or benign. Please note: this variant was assessed in the context of healthy population screening.

Women's Health and Genetics/Laboratory Corporation of America, LabCorp
Classification: Uncertain significance. Last evaluated: 2024-07-15. Review status: criteria provided, single submitter. Criteria: LabCorp Variant Classification Summary - May 2015. Collection method: clinical testing. Allele origin: germline.
Comment: Variant summary: FANCA c.4226G>C (p.Arg1409Pro) results in a non-conservative amino acid change in the encoded protein sequence. Three of five in-silico tools predict a damaging effect of the variant on protein function. The variant allele was found at a frequency of 1.9e-06 in 1607260 control chromosomes (gnomAD v4.1). The available data on variant occurrences in the general population are insufficient to allow any conclusion about variant significance. c.4226G>C has been reported in the literature in individuals affected with Fanconi Anemia (Shahid_2020), however at least one of these patients carried two other variants which could explain the phenotype (the phase of these variants was not specified). These report(s) do not provide unequivocal conclusions about association of the variant with Fanconi Anemia. To our knowledge, no experimental evidence demonstrating an impact on protein function has been reported. The following publication has been ascertained in the context of this evaluation (PMID: 30809872). No submitters have cited clinical-significance assessments for this variant to ClinVar. Based on the evidence outlined above, the variant was classified as uncertain significance.

Literature cited by the submitters: PubMed 30809872 (cited by Myriad Genetics, Inc. and Women's Health and Genetics/Laboratory Corporation of America, LabCorp).

NM_000135.4(FANCA):c.4226G>C (p.Arg1409Pro)

Genes: FANCA (FA complementation group A; minus strand), ZNF276 (zinc finger protein 276; plus strand). Cytogenetic location: 16q24.3.
Variant type: single nucleotide variant.
Coding change: c.4226G>C on transcript NM_000135.4 (MANE Select); coding-DNA position 4226, G replaced by C.
Protein change: p.Arg1409Pro; replaces arginine 1409 with proline.
Molecular consequence: missense variant. On other transcripts: 3 prime UTR variant (2), non-coding transcript variant (4), synonymous variant (1).
Genome position (GRCh38, 1-based): chr16:89,738,916, C>G on the plus strand (G>C on the coding strand, the complement: FANCA is on the minus strand). VCF-style: chr16-89738916-C-G. GRCh37 (hg19) VCF-style: chr16-89805324-C-G.
Other names: c.*670C>G (NM_001113525.2, NM_152287.4); c.4230G>C, p.Ser1410= (NM_001286167.3); short protein forms R1409P.
Identifiers: ClinVar variation 3339491 (VCV003339491.2).